The following is an entry in ClinVar:

NM_000152.5(GAA):c.2051C>T (p.Pro684Leu)

Gene: GAA (alpha glucosidase; plus strand). Cytogenetic location: 17q25.3.
Variant type: single nucleotide variant.
Coding change: c.2051C>T on transcript NM_000152.5 (MANE Select); coding-DNA position 2051, C replaced by T.
Protein change: p.Pro684Leu; replaces proline 684 with leucine.
Molecular consequence: missense variant.
Genome position (GRCh38, 1-based): chr17:80,113,228, C>T. VCF-style: chr17-80113228-C-T. GRCh37 (hg19) VCF-style: chr17-78087027-C-T.
Other names: p.Pro684Leu; c.2051C>T (NM_000152.4, LRG_673t1); c.2051C>T, p.Pro684Leu (NM_001079803.3, NM_001079804.3); short protein forms P684L.
Identifiers: ClinVar variation 285821 (VCV000285821.76), dbSNP rs147327209, ClinGen allele CA8815599.
Genomic context (GRCh38, chr17:80,113,228, plus strand): 5'-ACCGCGGCCCCAGCACCCAAGTGCTTCCTTTGCCCCCGCCTGCCCTGCAGCCCCAGGAGC[C>T]GTACAGCTTCAGCGAGCCGGCCCAGCAGGCCATGAGGAAGGCCCTCACCCTGCGCTACGC-3'
Protein context (NP_000143.2, residues 674-694): HNSLLSLPQE[Pro684Leu]YSFSEPAQQA

ClinVar aggregate classification (germline): Conflicting classifications of pathogenicity. Review status: criteria provided, conflicting classifications (1 of 4 stars). 16 submissions from 16 submitters: Pathogenic (1); Likely pathogenic (7); Uncertain significance (8). Last evaluated 2026-07-01.

Conditions:
GAA-related disorder. Also called: GAA-related condition.
Glycogen storage disease, type II (IOPD). Also called: Acid maltase deficiency disease; Aglucosidase alfa; Deficiency of alpha-glucosidase; Deficiency of lysosomal alpha-glucosidase; POMPE DISEASE, INFANTILE-ONSET; GLYCOGEN STORAGE DISEASE II, INFANTILE-ONSET. Identifiers: Orphanet 365, MedGen C0017921, MONDO:0009290, OMIM 232300.

Allele frequency attached by ClinVar (database versions not stated): gnomAD 0.00006; gnomAD exomes 0.00008 and 0.00015; TOPMed 0.00010; ESP Exome Variant Server 0.00015; ExAC 0.00017.
gnomAD v4.1: 236 of 1,600,608 alleles (0.015%); highest among the groups gnomAD compares: Non-Finnish European, 0.019%; no homozygotes.

Submissions (16):

Genomenon, Inc
Classification: Likely pathogenic for Glycogen storage disease, type II. Last evaluated: 2026-07-01. Review status: criteria provided, single submitter. Criteria: Genomenon Sequence Variant Interpretation Standards - Updated. Collection method: curation. Allele origin: germline. Affected: yes.
Comment: GAA p.Pro684Leu (c.2051C>T) is a missense variant that changes the amino acid at codon 684 from Proline to Leucine. This variant has been observed in at least one proband with a GAA-related disorder in the compound heterozygous and/or homozygous state (PMID:36310651;35787971;34539730;28196920). It is absent or not present at a significant frequency in gnomAD. In silico models predict that this variant is possibly or probably damaging. In conclusion, we classify GAA p.Pro684Leu (c.2051C>T) as a likely pathogenic variant.

PreventionGenetics, part of Exact Sciences
Classification: Likely pathogenic for GAA-related condition. Last evaluated: 2026-02-13. Review status: criteria provided, single submitter. Criteria: ACMG Guidelines, 2015. Collection method: clinical testing. Allele origin: germline.
Comment: The GAA c.2051C>T variant is predicted to result in the amino acid substitution p.Pro684Leu. This variant was reported in multiple individuals with glycogen storage disease 2 (Liu et al 2021. PubMed ID: 34539730; Zhang et al. 2022. PubMed ID: 35787971; Gragnaniello et al. 2022. PubMed ID: 36310651). Furthermore, this variant is considered an infantile onset variant in Pompe disease (Reuser et al. 2019. PubMed ID: 31342611). This variant is reported in 0.016% of alleles in individuals of European (Non-Finnish) descent in gnomAD. This variant is interpreted as likely pathogenic.

Labcorp Genetics (formerly Invitae), Labcorp
Classification: Pathogenic for Glycogen storage disease, type II. Last evaluated: 2026-01-28. Review status: criteria provided, single submitter. Criteria: Invitae Variant Classification Sherloc (09022015). Collection method: clinical testing. Allele origin: germline.
Comment: This sequence change replaces proline, which is neutral and non-polar, with leucine, which is neutral and non-polar, at codon 684 of the GAA protein (p.Pro684Leu). This variant is present in population databases (rs147327209, gnomAD 0.01%). This missense change has been observed in individual(s) with clinical features of Pompe disease (PMID: 28196920, 31342611, 34539730, 36310651). ClinVar contains an entry for this variant (Variation ID: 285821). Invitae Evidence Modeling of protein sequence and biophysical properties (such as structural, functional, and spatial information, amino acid conservation, physicochemical variation, residue mobility, and thermodynamic stability) indicates that this missense variant is expected to disrupt GAA protein function with a positive predictive value of 95%. This variant disrupts the p.Pro684 amino acid residue in GAA. Other variant(s) that disrupt this residue have been observed in individuals with GAA-related conditions (PMID: 29149851, 29451150), which suggests that this may be a clinically significant amino acid residue. For these reasons, this variant has been classified as Pathogenic.

Natera, Inc.
Classification: Likely pathogenic for Glycogen storage disease type II. Last evaluated: 2025-08-07. Review status: criteria provided, single submitter. Criteria: Natera Variant Classification Schema (03/2026). Collection method: clinical testing. Allele origin: germline.
Comment: The c.2051C>T variant in GAA is a missense variant predicted to cause substitution of proline to leucine at amino acid 684. This variant is rare in the general population with a frequency below the threshold expected for the associated phenotype(s). This variant has been observed in one or more individuals affected with the associated recessive disease, as either homozygous or compound heterozygous with a second variant (PMID: 28196920, 34539730, 35787971, 34822769). Computational prediction algorithms indicate this variant is likely to affect gene or protein function. Given the available evidence, this variant is classified as Likely Pathogenic.

Women's Health and Genetics/Laboratory Corporation of America, LabCorp
Classification: Likely pathogenic for Glycogen storage disease, type II. Last evaluated: 2025-05-22. Review status: criteria provided, single submitter. Criteria: LabCorp Variant Classification Summary - May 2015. Collection method: clinical testing. Allele origin: germline.
Comment: Variant summary: GAA c.2051C>T (p.Pro684Leu) results in a non-conservative amino acid change in the encoded protein sequence. Algorithms developed to predict the effect of missense changes on protein structure and function all suggest that this variant is likely to be disruptive. The variant allele was found at a frequency of 8.4e-05 in 224884 control chromosomes. This frequency is not significantly higher than estimated for a pathogenic variant in GAA causing Glycogen Storage Disease, Type 2 (Pompe Disease) (8.4e-05 vs 0.0042), allowing no conclusion about variant significance. c.2051C>T has been observed in individual(s) affected/suspected with Glycogen Storage Disease, Type 2 (Pompe Disease) (examples: Lin_2017, Liu_2021, and Gragnaniello_2022). These data indicate that the variant is likely to be associated with disease. The following publications have been ascertained in the context of this evaluation (PMID: 28196920, 34539730, 31342611, 24627108, 36310651). ClinVar contains an entry for this variant (Variation ID: 285821). Based on the evidence outlined above, the variant was classified as likely pathogenic.

Revvity Omics, Revvity
Classification: Uncertain significance. Last evaluated: 2025-03-04. Review status: criteria provided, single submitter. Criteria: ACMG Guidelines, 2015. Collection method: clinical testing. Allele origin: germline.

Blueprint Genetics
Classification: Uncertain significance. Last evaluated: 2024-11-07. Review status: criteria provided, single submitter. Criteria: ACMG Guidelines, 2015. Collection method: clinical testing. Allele origin: germline.

Mayo Clinic Laboratories, Mayo Clinic
Classification: Likely pathogenic. Last evaluated: 2024-10-16. Review status: criteria provided, single submitter. Criteria: ACMG Guidelines, 2015. Collection method: clinical testing. Allele origin: germline. Observed: 1 variant allele.
Comment: PP3, PP4_moderate, PM2_supporting, PM3, PM5_supporting

Fulgent Genetics
Classification: Likely pathogenic for Glycogen storage disease, type II. Last evaluated: 2024-06-23. Review status: criteria provided, single submitter. Criteria: ACMG Guidelines, 2015. Collection method: clinical testing. Allele origin: germline.

Institute of Human Genetics Munich, TUM University Hospital
Classification: Likely pathogenic for Glycogen storage disease, type II. Last evaluated: 2023-11-02. Review status: criteria provided, single submitter. Criteria: Classification criteria August 2017. Collection method: clinical testing. Allele origin: maternal. Inheritance: Autosomal recessive inheritance. Affected: yes. Observed: 1 variant allele.

Genome-Nilou Lab
Classification: Uncertain significance for Glycogen storage disease, type II. Last evaluated: 2021-09-05. Review status: criteria provided, single submitter. Criteria: ACMG Guidelines, 2015. Collection method: clinical testing. Allele origin: germline. Affected: no.

CeGaT Center for Human Genetics Tuebingen
Classification: Uncertain significance. Last evaluated: 2020-11-01. Review status: criteria provided, single submitter. Criteria: CeGaT Center For Human Genetics Tuebingen Variant Classification Criteria Version 2. Collection method: clinical testing. Allele origin: germline. Affected: yes. Observed: 1 variant allele.

GeneDx
Classification: Uncertain significance. Last evaluated: 2020-10-21. Review status: criteria provided, single submitter. Criteria: GeneDx Variant Classification Process June 2021. Collection method: clinical testing. Allele origin: germline. Affected: yes.
Comment: In silico analysis supports that this missense variant has a deleterious effect on protein structure/function; Has not been previously published as pathogenic or benign to our knowledge

Beijing Key Laboratry for Genetics of Birth Defects, Beijing Children's Hospital
Classification: Uncertain significance for Glycogen storage disease, type II. Last evaluated: 2020-02-28. Review status: criteria provided, single submitter. Criteria: ACMG Guidelines, 2015. Collection method: clinical testing. Allele origin: germline. Affected: yes. Observed: 1 variant allele.

Eurofins Ntd Llc (ga)
Classification: Uncertain significance. Last evaluated: 2018-08-16. Review status: criteria provided, single submitter. Criteria: EGL ClinVar v180209 classification definitions. Collection method: clinical testing. Allele origin: germline. Observed: 6 variant alleles, 6 heterozygotes.

Illumina Laboratory Services, Illumina
Classification: Uncertain significance for Glycogen storage disease, type II. Last evaluated: 2018-01-13. Review status: criteria provided, single submitter. Criteria: ICSL Variant Classification Criteria 13 December 2019. Collection method: clinical testing. Allele origin: germline.

Literature cited by the submitters: PubMed 36310651 (cited by 4 submitters); PubMed 35787971 (cited by 3 submitters); PubMed 34539730 (cited by 5 submitters); PubMed 28196920 (cited by 5 submitters); PubMed 31342611 (cited by 3 submitters); PubMed 29149851 (cited by Labcorp Genetics (formerly Invitae), Labcorp); PubMed 29451150 (cited by Labcorp Genetics (formerly Invitae), Labcorp); PubMed 34822769 (cited by Natera, Inc.); PubMed 24627108 (cited by Women's Health and Genetics/Laboratory Corporation of America, LabCorp); PubMed 30281819 (cited by Mayo Clinic Laboratories, Mayo Clinic); PubMed 33560568 (cited by Mayo Clinic Laboratories, Mayo Clinic); PubMed 34539760 (cited by Mayo Clinic Laboratories, Mayo Clinic).